The following is an entry in ClinVar:

ClinVar aggregate classification (germline): Likely pathogenic (1 of 4 stars; one submission).

Conditions:
Primary hyperoxaluria, type II (HP2). Also called: D-GLYCERATE DEHYDROGENASE DEFICIENCY; GLYCERIC ACIDURIA; GLYOXYLATE REDUCTASE/HYDROXYPYRUVATE REDUCTASE DEFICIENCY; OXALOSIS II; Primary hyperoxaluria type 2. Identifiers: Orphanet 416, Orphanet 93599, MedGen C0268165, MONDO:0009824, OMIM 260000. Disease mechanism: loss of function.

Submission:

Natera, Inc.
Classification: Likely pathogenic for Primary hyperoxaluria type II. Last evaluated: 2025-05-30. Review status: criteria provided, single submitter. Criteria: Natera Variant Classification Schema (03/2026). Collection method: clinical testing. Allele origin: germline.
Comment: The c.866-34_866-8del variant in GRHPR is a deletion in the intronic region. This variant is rare in the general population with a frequency below the threshold expected for the associated phenotype(s). This variant has been observed in one or more individuals affected with the associated recessive disease, as either homozygous or compound heterozygous with a second variant (PMID: 37306718, 37139236). Given the available evidence, this variant is classified as Likely Pathogenic.

Literature cited by the submitters: PubMed 37306718; PubMed 37139236.

NM_012203.2(GRHPR):c.866-34_866-8del

Gene: GRHPR (glyoxylate and hydroxypyruvate reductase; plus strand). Cytogenetic location: 9p13.2.
Variant type: Deletion.
Coding change: c.866-34_866-8del on transcript NM_012203.2 (MANE Select); 34 bases into the intron before coding-DNA position 866 through 8 bases into the intron before coding-DNA position 866, 27 bases deleted (CTTATCTCCCTCTCTCTCTCTCTCTCC).
Molecular consequence: intron variant.
Genome position (GRCh38, 1-based): chr9:37,436,627-37,436,653, CTTATCTCCCTCTCTCTCTCTCTCTCC deleted. VCF-style (leftmost placement, unchanged base first): chr9-37436626-TCTTATCTCCCTCTCTCTCTCTCTCTCC-T. GRCh37 (hg19) VCF-style: chr9-37436623-TCTTATCTCCCTCTCTCTCTCTCTCTCC-T.
Identifiers: ClinVar variation 4068963 (VCV004068963.2).